The following is an entry in ClinVar:

ClinVar aggregate classification (germline): Likely benign. Review status: criteria provided, multiple submitters, no conflicts (2 of 4 stars). 2 submissions from 2 submitters: Likely benign (2). Last evaluated 2025-09-22.

Conditions:
Emery-Dreifuss muscular dystrophy 4, autosomal dominant (EDMD4). Also called: EMERY-DREIFUSS MUSCULAR DYSTROPHY 4 WITH VARIABLE FEATURES. Identifiers: Orphanet 261, MedGen C2751807, MONDO:0013071, OMIM 612998.
Autosomal recessive ataxia, Beauce type. Also called: Spinocerebellar ataxia, autosomal recessive 8; ATAXIA, RECESSIVE, OF BEAUCE; SYNE1-Related Autosomal Recessive Cerebellar Ataxia; SYNE1 Deficiency. Identifiers: Orphanet 88644, MedGen C1853116, MONDO:0012549, OMIM 610743.

Allele frequency attached by ClinVar (database versions not stated): gnomAD 0.00001; TOPMed 0.00001.
gnomAD v4.1: 1 of 1,614,098 alleles (0.000062%); highest among the groups gnomAD compares: Non-Finnish European, 0.000085%; no homozygotes.

Submissions (2):

Labcorp Genetics (formerly Invitae), Labcorp
Classification: Likely benign for Emery-Dreifuss muscular dystrophy 4, autosomal dominant; Autosomal recessive ataxia, Beauce type. Last evaluated: 2025-09-22. Review status: criteria provided, single submitter. Criteria: Invitae Variant Classification Sherloc (09022015). Collection method: clinical testing. Allele origin: germline.

CeGaT Center for Human Genetics Tuebingen
Classification: Likely benign. Last evaluated: 2023-09-01. Review status: criteria provided, single submitter. Criteria: CeGaT Center For Human Genetics Tuebingen Variant Classification Criteria Version 2. Collection method: clinical testing. Allele origin: germline. Affected: yes. Observed: 1 variant allele.
Comment: SYNE1: PM2:Supporting, BP4, BP7

NM_182961.4(SYNE1):c.9769C>T (p.Leu3257=)

Gene: SYNE1 (spectrin repeat containing nuclear envelope protein 1; minus strand). Cytogenetic location: 6q25.2.
Variant type: single nucleotide variant.
Coding change: c.9769C>T on transcript NM_182961.4 (MANE Select); coding-DNA position 9769, C replaced by T.
Protein change: p.Leu3257=; no amino-acid change (leucine 3257 retained).
Molecular consequence: synonymous variant.
Genome position (GRCh38, 1-based): chr6:152,369,010, G>A on the plus strand (C>T on the coding strand, the complement: SYNE1 is on the minus strand). VCF-style: chr6-152369010-G-A. GRCh37 (hg19) VCF-style: chr6-152690145-G-A.
Other names: c.9790C>T, p.Leu3264= (NM_033071.5).
Identifiers: ClinVar variation 2657022 (VCV002657022.25), dbSNP rs1412292935, ClinGen allele CA452760971.
Genomic context (GRCh38, chr6:152,369,010, plus strand): 5'-CACAGCACGTGCCAGGCGTTACCTTTGTTAAATTGCTTAGCGCTAGATACTGAGAAGACA[G>A]CTGCGACACTCTGTGCCTAAAGCTCTTGCTGGCAGCTTGTCCTTCCCACAGCTGCTGAGC-3'
Protein context (NP_892006.3, residues 3247-3267): SKSFRHRVSQ[Leu3257=]SSQYLALSNL